The following is an entry in ClinVar:

NM_020975.6(RET):c.2802-8C>T

Gene: RET (ret proto-oncogene; plus strand). Cytogenetic location: 10q11.21.
Variant type: single nucleotide variant.
Coding change: c.2802-8C>T on transcript NM_020975.6 (MANE Select); 8 bases into the intron before coding-DNA position 2802, C replaced by T.
Molecular consequence: intron variant.
Genome position (GRCh38, 1-based): chr10:43,123,663, C>T. VCF-style: chr10-43123663-C-T. GRCh37 (hg19) VCF-style: chr10-43619111-C-T.
Other names: c.2802-8C>T (NM_020630.7, NM_001406743.1, NM_001406744.1 and 2 more transcripts); c.2667-8C>T (NM_001406765.1, NM_001406763.1); c.2406-8C>T (NM_001406772.1, NM_001406769.1); c.2364-8C>T (NM_001406773.1, NM_001406771.1); c.1905-8C>T (NM_001406782.1, NM_001406780.1, NM_001406779.1 and 1 more transcripts); c.1770-8C>T (NM_001406787.1); c.1785-8C>T (NM_001406785.1); c.2673-8C>T (NM_001406764.1, NM_001406762.1, NM_001406761.1); and 10 more.
Identifiers: ClinVar variation 3069308 (VCV003069308.1), dbSNP rs2133003582, ClinGen allele CA2608876168.

ClinVar aggregate classification (germline): Likely benign (1 of 4 stars; one submission).

Conditions:
Multiple endocrine neoplasia, type 2 (MEN2). Identifiers: Orphanet 653, MedGen C4048306, MONDO:0019003. Disease mechanism: gain of function.

gnomAD v4.1: 1 of 1,614,118 alleles (0.000062%); highest among the groups gnomAD compares: Non-Finnish European, 0.000085%; no homozygotes.

Submission:

All of Us Research Program, National Institutes of Health
Classification: Likely benign for Multiple endocrine neoplasia, type 2. Last evaluated: 2022-12-02. Review status: criteria provided, single submitter. Criteria: ACMG Guidelines, 2015. Collection method: clinical testing. Allele origin: germline. Inheritance: Autosomal dominant inheritance. Observed: 1 variant allele, 1 heterozygote.
Comment: This study involves interpretation of variants in research participants for the purpose of population health screening. Participant phenotype was not available at the time of variant classification. Additional details can be found in publication PMID: 35346344, PMCID: PMC8962531